The following is an entry in ClinVar:

ClinVar aggregate classification (germline): Uncertain significance (1 of 4 stars; one submission).

Conditions:
Supravalvar aortic stenosis (SVAS). Also called: Supravalvar aortic stenosis, Eisenberg type. Identifiers: Orphanet 3193, MedGen C0003499, MONDO:0008504, OMIM 185500, HP:0004381.

gnomAD v4.1: 1 of 1,613,536 alleles (0.000062%); highest among the groups gnomAD compares: African/African-American, 0.0013%; no homozygotes.

Submission:

Labcorp Genetics (formerly Invitae), Labcorp
Classification: Uncertain significance for Supravalvar aortic stenosis. Last evaluated: 2024-06-24. Review status: criteria provided, single submitter. Criteria: Invitae Variant Classification Sherloc (09022015). Collection method: clinical testing. Allele origin: germline.
Comment: This sequence change falls in intron 20 of the ELN gene. It does not directly change the encoded amino acid sequence of the ELN protein. It affects a nucleotide within the consensus splice site. This variant is present in population databases (no rsID available, gnomAD 0.01%). This variant has not been reported in the literature in individuals affected with ELN-related conditions. Variants that disrupt the consensus splice site are a relatively common cause of aberrant splicing (PMID: 17576681, 9536098). Algorithms developed to predict the effect of sequence changes on RNA splicing suggest that this variant is not likely to affect RNA splicing. In summary, the available evidence is currently insufficient to determine the role of this variant in disease. Therefore, it has been classified as a Variant of Uncertain Significance.

Literature cited by the submitters: PubMed 17576681; PubMed 9536098.

NM_000501.4(ELN):c.1315+3G>A

Gene: ELN (elastin; plus strand). Cytogenetic location: 7q11.23.
Variant type: single nucleotide variant.
Coding change: c.1315+3G>A on transcript NM_000501.4 (MANE Select); 3 bases into the intron after coding-DNA position 1315, G replaced by A.
Molecular consequence: intron variant.
Genome position (GRCh38, 1-based): chr7:74,056,438, G>A. VCF-style: chr7-74056438-G-A. GRCh37 (hg19) VCF-style: chr7-73470768-G-A.
Other names: c.1330+3G>A (NM_001081754.3, NM_001081753.3); c.1315+3G>A (NM_001278939.2, NM_001278915.2, NM_001278912.2 and 1 more transcripts); c.1273+3G>A (NM_001278916.2); c.1129+81G>A (NM_001278913.2); c.1300+3G>A (NM_001278914.2); c.1285+3G>A (NM_001278917.2, NM_001081752.3); c.1105+81G>A (NM_001278918.2).
Identifiers: ClinVar variation 3706201 (VCV003706201.2).